The following is an entry in ClinVar:

ClinVar aggregate classification (germline): Conflicting classifications of pathogenicity. Review status: criteria provided, conflicting classifications (1 of 4 stars). 3 submissions from 3 submitters: Uncertain significance (2); Benign (1). Last evaluated 2025-06-23.

Conditions:
Cardiovascular phenotype. Identifiers: MedGen CN230736.
Hereditary cancer-predisposing syndrome. Also called: Hereditary neoplastic syndrome; Neoplastic Syndromes, Hereditary; Tumor predisposition; Hereditary Cancer Syndrome. Identifiers: Orphanet 140162, MedGen C0027672, MeSH D009386, MONDO:0015356.
Neurofibromatosis, type 1 (NF1). Also called: VON RECKLINGHAUSEN DISEASE; Peripheral type neurofibromatosis; NEUROFIBROMATOSIS, TYPE I, SOMATIC; Neurofibromatosis, type I. Identifiers: Orphanet 636, MedGen C0027831, MONDO:0018975, OMIM 162200. Disease mechanism: loss of function.

Submissions (3):

Labcorp Genetics (formerly Invitae), Labcorp
Classification: Benign for Neurofibromatosis, type 1. Last evaluated: 2025-06-23. Review status: criteria provided, single submitter. Criteria: Invitae Variant Classification Sherloc (09022015). Collection method: clinical testing. Allele origin: germline.

Ambry Genetics
Classification: Uncertain significance for Cardiovascular phenotype; Hereditary cancer-predisposing syndrome. Last evaluated: 2023-02-08. Review status: criteria provided, single submitter. Criteria: Ambry Variant Classification Scheme 2023. Collection method: clinical testing. Allele origin: germline.
Comment: The p.Q1341L variant (also known as c.4022A>T), located in coding exon 30 of the NF1 gene, results from an A to T substitution at nucleotide position 4022. The glutamine at codon 1341 is replaced by leucine, an amino acid with dissimilar properties. This amino acid position is highly conserved in available vertebrate species. In addition, this alteration is predicted to be deleterious by in silico analysis. Since supporting evidence is limited at this time, the clinical significance of this alteration remains unclear.

Genome-Nilou Lab
Classification: Uncertain significance for Neurofibromatosis, type 1. Last evaluated: 2022-03-15. Review status: criteria provided, single submitter. Criteria: ACMG Guidelines, 2015. Collection method: clinical testing. Allele origin: germline. Affected: no.

NM_001042492.3(NF1):c.4022A>T (p.Gln1341Leu)

Gene: NF1 (neurofibromin 1; plus strand). Cytogenetic location: 17q11.2.
Variant type: single nucleotide variant.
Coding change: c.4022A>T on transcript NM_001042492.3 (MANE Select); coding-DNA position 4022, A replaced by T.
Protein change: p.Gln1341Leu; replaces glutamine 1341 with leucine.
Molecular consequence: missense variant.
Genome position (GRCh38, 1-based): chr17:31,249,031, A>T. VCF-style: chr17-31249031-A-T. GRCh37 (hg19) VCF-style: chr17-29576049-A-T.
Other names: c.4022A>T, p.Gln1341Leu (NM_000267.4); short protein forms Q1341L.
Identifiers: ClinVar variation 484054 (VCV000484054.12), dbSNP rs1555617325, ClinGen allele CA398994907.